The following is an entry in ClinVar:

NM_004924.6(ACTN4):c.1425C>T (p.Ala475=)

Gene: ACTN4 (actinin alpha 4; plus strand). Cytogenetic location: 19q13.2.
Variant type: single nucleotide variant.
Coding change: c.1425C>T on transcript NM_004924.6 (MANE Select); coding-DNA position 1425, C replaced by T.
Protein change: p.Ala475=; no amino-acid change (alanine 475 retained).
Molecular consequence: synonymous variant.
Genome position (GRCh38, 1-based): chr19:38,721,671, C>T. VCF-style: chr19-38721671-C-T. GRCh37 (hg19) VCF-style: chr19-39212311-C-T.
Other names: c.1425C>T, p.Ala475= (NM_001322033.2).
Identifiers: ClinVar variation 585359 (VCV000585359.37), dbSNP rs144388375, ClinGen allele CA9417635.

ClinVar aggregate classification (germline): Benign/Likely benign. Review status: criteria provided, multiple submitters, no conflicts (2 of 4 stars). 5 submissions from 5 submitters: Benign (4); Likely benign (1). Last evaluated 2026-01-27.

Conditions:
Focal segmental glomerulosclerosis 1 (FSGS1). Identifiers: Orphanet 656, MedGen C4551527, MONDO:0011303, OMIM 603278.

Allele frequency attached by ClinVar (database versions not stated): 1000 Genomes Project 30x 0.00047; 1000 Genomes Project 0.00060; TOPMed 0.00187; gnomAD exomes 0.00207 and 0.00319; ExAC 0.00209; gnomAD 0.00211 and 0.00222; ESP Exome Variant Server 0.00315.
gnomAD v4.1: 4,921 of 1,613,662 alleles (0.3%); highest among the groups gnomAD compares: Non-Finnish European, 0.37%; 16 homozygotes.

Submissions (5):

Labcorp Genetics (formerly Invitae), Labcorp
Classification: Benign. Last evaluated: 2026-01-27. Review status: criteria provided, single submitter. Criteria: Invitae Variant Classification Sherloc (09022015). Collection method: clinical testing. Allele origin: germline.

CeGaT Center for Human Genetics Tuebingen
Classification: Benign. Last evaluated: 2022-03-01. Review status: criteria provided, single submitter. Criteria: CeGaT Center For Human Genetics Tuebingen Variant Classification Criteria Version 2. Collection method: clinical testing. Allele origin: germline. Affected: yes. Observed: 1 variant allele.
Comment: ACTN4: BS1, BS2

Genome-Nilou Lab
Classification: Benign for Focal segmental glomerulosclerosis 1. Last evaluated: 2021-12-05. Review status: criteria provided, single submitter. Criteria: ACMG Guidelines, 2015. Collection method: clinical testing. Allele origin: germline. Affected: no.

Fulgent Genetics
Classification: Likely benign for Focal segmental glomerulosclerosis 1. Last evaluated: 2021-09-30. Review status: criteria provided, single submitter. Criteria: ACMG Guidelines, 2015. Collection method: clinical testing. Allele origin: unknown.

Athena Diagnostics
Classification: Benign. Last evaluated: 2018-08-22. Review status: criteria provided, single submitter. Criteria: Athena Diagnostics Criteria. Collection method: clinical testing. Allele origin: germline.

Literature cited by the submitters: PubMed 23890478 (cited by Athena Diagnostics).